The following is an entry in ClinVar:

ClinVar aggregate classification (germline): Likely benign. Review status: criteria provided, multiple submitters, no conflicts (2 of 4 stars). 2 submissions from 2 submitters: Likely benign (2). Last evaluated 2026-03-01.

gnomAD v4.1: 28 of 1,614,046 alleles (0.0017%); highest among the groups gnomAD compares: Non-Finnish European, 0.0023%; no homozygotes.

Submissions (2):

CeGaT Center for Human Genetics Tuebingen
Classification: Likely benign. Last evaluated: 2026-03-01. Review status: criteria provided, single submitter. Criteria: CeGaT Center For Human Genetics Tuebingen Variant Classification Criteria Version 2. Collection method: clinical testing. Allele origin: germline. Affected: yes. Observed: 1 variant allele.
Comment: HIVEP2: BP4, BP7

Labcorp Genetics (formerly Invitae), Labcorp
Classification: Likely benign. Last evaluated: 2025-11-27. Review status: criteria provided, single submitter. Criteria: Invitae Variant Classification Sherloc (09022015). Collection method: clinical testing. Allele origin: germline.

NM_006734.4(HIVEP2):c.1584G>C (p.Pro528=)

Gene: HIVEP2 (HIVEP zinc finger 2; minus strand). Cytogenetic location: 6q24.2.
Variant type: single nucleotide variant.
Coding change: c.1584G>C on transcript NM_006734.4 (MANE Select); coding-DNA position 1584, G replaced by C.
Protein change: p.Pro528=; no amino-acid change (proline 528 retained).
Molecular consequence: synonymous variant.
Genome position (GRCh38, 1-based): chr6:142,773,155, C>G on the plus strand (G>C on the coding strand, the complement: HIVEP2 is on the minus strand). VCF-style: chr6-142773155-C-G. GRCh37 (hg19) VCF-style: chr6-143094292-C-G.
Identifiers: ClinVar variation 1974553 (VCV001974553.9), dbSNP rs375645482, ClinGen allele CA4028572.